The following is an entry in ClinVar:

NM_001286445.3(RIPOR2):c.1674C>T (p.Ala558=)

Gene: RIPOR2 (RHO family interacting cell polarization regulator 2; minus strand). Cytogenetic location: 6p22.3.
Variant type: single nucleotide variant.
Coding change: c.1674C>T on transcript NM_001286445.3 (MANE Select); coding-DNA position 1674, C replaced by T.
Protein change: p.Ala558=; no amino-acid change (alanine 558 retained).
Molecular consequence: synonymous variant.
Genome position (GRCh38, 1-based): chr6:24,843,045, G>A on the plus strand (C>T on the coding strand, the complement: RIPOR2 is on the minus strand). VCF-style: chr6-24843045-G-A. GRCh37 (hg19) VCF-style: chr6-24843273-G-A.
Other names: c.1737C>T (NM_014722.4); c.1689C>T, p.Ala563= (NM_001286446.3); c.1587C>T, p.Ala529= (NM_001286447.2, NM_001346031.2, NM_001346032.2 and 1 more transcripts); c.1737C>T, p.Ala579= (NM_014722.5).
Identifiers: ClinVar variation 1318078 (VCV001318078.5), dbSNP rs765588591, ClinGen allele CA3659213.

ClinVar aggregate classification (germline): Likely benign. Review status: criteria provided, multiple submitters, no conflicts (2 of 4 stars). 4 submissions from 4 submitters: Likely benign (4). Last evaluated 2025-12-22.

Conditions:
RIPOR2-related disorder. Also called: RIPOR2-related condition.

Allele frequency attached by ClinVar (database versions not stated): gnomAD exomes 0.00002 and 0.00006; ExAC 0.00007; gnomAD 0.00016 and 0.00017; TOPMed 0.00022.
gnomAD v4.1: 54 of 1,612,210 alleles (0.0033%); highest among the groups gnomAD compares: African/African-American, 0.059%; no homozygotes.

Submissions (4):

Labcorp Genetics (formerly Invitae), Labcorp
Classification: Likely benign. Last evaluated: 2025-12-22. Review status: criteria provided, single submitter. Criteria: Invitae Variant Classification Sherloc (09022015). Collection method: clinical testing. Allele origin: germline.

PreventionGenetics, part of Exact Sciences
Classification: Likely benign for RIPOR2-related condition. Last evaluated: 2025-11-10. Review status: criteria provided, single submitter. Criteria: ACMG Guidelines, 2015. Collection method: clinical testing. Allele origin: germline.
Comment: This variant is classified as likely benign based on ACMG/AMP sequence variant interpretation guidelines (Richards et al. 2015 PMID: 25741868, with internal and published modifications).

Blueprint Genetics
Classification: Likely benign. Last evaluated: 2021-02-02. Review status: criteria provided, single submitter. Criteria: ACMG Guidelines, 2015. Collection method: clinical testing. Allele origin: germline.

GeneDx
Classification: Likely benign. Last evaluated: 2020-06-24. Review status: criteria provided, single submitter. Criteria: GeneDx Variant Classification Process June 2021. Collection method: clinical testing. Allele origin: germline. Affected: yes.